The following is an entry in ClinVar:

ClinVar aggregate classification (germline): Uncertain significance. Review status: criteria provided, multiple submitters, no conflicts (2 of 4 stars). 6 submissions from 6 submitters: Uncertain significance (5). 1 of the submissions does not count toward it. Last evaluated 2025-07-23.

Conditions:
Cerebellar atrophy, visual impairment, and psychomotor retardation;. Also called: Cerebellar atrophy, visual impairment, and psychomotor retardation. Identifiers: MedGen C4225172, MONDO:0014811, OMIM 616875.
Inborn genetic diseases. Identifiers: MedGen C0950123, MeSH D030342.
Retinal dystrophy. Also called: Inherited retinal dystrophy. Identifiers: Orphanet 71862, MedGen C0854723, MeSH D058499, MONDO:0019118, HP:0000556.

Allele frequency attached by ClinVar (database versions not stated): gnomAD 0.00001 and 0.00003; TOPMed 0.00003; gnomAD exomes 0.00008 and 0.00016; ExAC 0.00022.
gnomAD v4.1: 119 of 1,614,132 alleles (0.0074%); highest among the groups gnomAD compares: Middle Eastern, 0.12%; no homozygotes.

Submissions (6):

Labcorp Genetics (formerly Invitae), Labcorp
Classification: Uncertain significance. Last evaluated: 2025-07-23. Review status: criteria provided, single submitter. Criteria: Invitae Variant Classification Sherloc (09022015). Collection method: clinical testing. Allele origin: germline.
Comment: This sequence change replaces arginine, which is basic and polar, with tryptophan, which is neutral and slightly polar, at codon 384 of the EMC1 protein (p.Arg384Trp). This variant is present in population databases (rs759816328, gnomAD 0.08%). This variant has not been reported in the literature in individuals affected with EMC1-related conditions. ClinVar contains an entry for this variant (Variation ID: 940851). Invitae Evidence Modeling of protein sequence and biophysical properties (such as structural, functional, and spatial information, amino acid conservation, physicochemical variation, residue mobility, and thermodynamic stability) has been performed for this missense variant. However, the output from this modeling did not meet the statistical confidence thresholds required to predict the impact of this variant on EMC1 protein function. In summary, the available evidence is currently insufficient to determine the role of this variant in disease. Therefore, it has been classified as a Variant of Uncertain Significance.

Revvity Omics, Revvity
Classification: Uncertain significance for Cerebellar atrophy, visual impairment, and psychomotor retardation;. Last evaluated: 2023-12-15. Review status: criteria provided, single submitter. Criteria: ACMG Guidelines, 2015. Collection method: clinical testing. Allele origin: germline.

Ambry Genetics
Classification: Uncertain significance for Inborn genetic diseases. Last evaluated: 2021-07-16. Review status: criteria provided, single submitter. Criteria: Ambry Variant Classification Scheme 2023. Collection method: clinical testing. Allele origin: germline.

Breakthrough Genomics
Classification: Uncertain significance. Review status: criteria provided, single submitter. Criteria: ACMG Guidelines, 2015. Collection method: not provided. Allele origin: germline. Inheritance: Autosomal recessive inheritance. Affected: yes.

Neuberg Centre For Genomic Medicine, NCGM
Classification: Uncertain significance for Cerebellar atrophy, visual impairment, and psychomotor retardation;. Review status: criteria provided, single submitter. Criteria: ACMG Guidelines, 2015. Collection method: clinical testing. Allele origin: germline. Inheritance: Autosomal recessive inheritance. Affected: yes.
Comment: The observed missense c.1150C>T(p.Arg384Trp) variant in EMC1 gene has not been reported previously as a pathogenic variant nor a benign variant, to our knowledge. The p.Arg384Trp variant has been reported with allele frequency of 0.02% in gnomAD Exomes. This variant has been submitted to the ClinVar database as Uncertain Significance (multiple submissions). The amino acid change p.Arg384Trp in EMC1 is predicted as conserved by GERP++ and PhyloP across 100 vertebrates. The amino acid Arg at position 384 is changed to a Trp changing protein sequence and it might alter its composition and physico-chemical properties. For these reasons, this variant has been classified as a Variant of Uncertain Significance (VUS).

Institute of Human Genetics, Univ. Regensburg, Univ. Regensburg
Classification: Uncertain significance for Retinal dystrophy. Last evaluated: 2023-01-01. Review status: no assertion criteria provided. Criteria: ACMG Guidelines, 2015. Collection method: clinical testing. Allele origin: germline. Affected: yes. Not counted in ClinVar's aggregate classification.

NM_015047.3(EMC1):c.1150C>T (p.Arg384Trp)

Genes: EMC1 (ER membrane protein complex subunit 1; minus strand), EMC1-AS1 (EMC1 antisense RNA 1; plus strand). Cytogenetic location: 1p36.13.
Variant type: single nucleotide variant.
Coding change: c.1150C>T on transcript NM_015047.3 (MANE Select); coding-DNA position 1150, C replaced by T.
Protein change: p.Arg384Trp; replaces arginine 384 with tryptophan.
Molecular consequence: missense variant.
Genome position (GRCh38, 1-based): chr1:19,238,079, G>A on the plus strand (C>T on the coding strand, the complement: EMC1 is on the minus strand). VCF-style: chr1-19238079-G-A. GRCh37 (hg19) VCF-style: chr1-19564573-G-A.
Other names: c.1147C>T, p.Arg383Trp (NM_001271427.2, NM_001375821.1); c.1150C>T, p.Arg384Trp (NM_001271428.2, NM_001375820.1); c.1084C>T, p.Arg362Trp (NM_001271429.2); c.1150C>T (NM_015047.1); short protein forms R362W, R383W, R384W.
Identifiers: ClinVar variation 940851 (VCV000940851.15), dbSNP rs759816328, ClinGen allele CA652653.